The following is an entry in ClinVar:

ClinVar aggregate classification (germline): Uncertain significance (1 of 4 stars; one submission).

Allele frequency attached by ClinVar (database versions not stated): gnomAD 0.00001 and 0.00002; gnomAD exomes 0.00001 and 0.00002; TOPMed 0.00001; ExAC 0.00002.
gnomAD v4.1: 24 of 1,614,074 alleles (0.0015%); highest among the groups gnomAD compares: East Asian, 0.051%; no homozygotes.

Submission:

GeneDx
Classification: Uncertain significance. Last evaluated: 2024-04-17. Review status: criteria provided, single submitter. Criteria: GeneDx Variant Classification Process June 2021. Collection method: clinical testing. Allele origin: germline. Affected: yes.
Comment: In silico analysis supports that this missense variant has a deleterious effect on protein structure/function; Has not been previously published as pathogenic or benign to our knowledge

NM_016360.4(TACO1):c.650A>T (p.Asp217Val)

Gene: TACO1 (translational activator of cytochrome c oxidase I; plus strand). Cytogenetic location: 17q23.3.
Variant type: single nucleotide variant.
Coding change: c.650A>T on transcript NM_016360.4 (MANE Select); coding-DNA position 650, A replaced by T.
Protein change: p.Asp217Val; replaces aspartic acid 217 with valine.
Molecular consequence: missense variant.
Genome position (GRCh38, 1-based): chr17:63,607,421, A>T. VCF-style: chr17-63607421-A-T. GRCh37 (hg19) VCF-style: chr17-61684781-A-T.
Other names: short protein forms D217V.
Identifiers: ClinVar variation 215246 (VCV000215246.3), dbSNP rs745702583, ClinGen allele CA322458.
Genomic context (GRCh38, chr17:63,607,421, plus strand): 5'-AGAAGAAGGCTGTGAACCTAGAGCGTGCCCTGGAGATGGCAATCGAAGCAGGAGCTGAGG[A>T]TGTCAAGGAAACTGAAGATGAAGAAGAAAGGAACGTTTTTAAAGTAAGCATGAAAACATG-3'
Protein context (NP_057444.2, residues 207-227): LEMAIEAGAE[Asp217Val]VKETEDEEER